The following is an entry in ClinVar:

NM_000443.4(ABCB4):c.1603G>A (p.Gly535Ser)

Gene: ABCB4 (ATP binding cassette subfamily B member 4; minus strand). Cytogenetic location: 7q21.12.
Variant type: single nucleotide variant.
Coding change: c.1603G>A on transcript NM_000443.4 (MANE Select); coding-DNA position 1603, G replaced by A.
Protein change: p.Gly535Ser; replaces glycine 535 with serine.
Molecular consequence: missense variant.
Genome position (GRCh38, 1-based): chr7:87,439,795, C>T on the plus strand (G>A on the coding strand, the complement: ABCB4 is on the minus strand). VCF-style: chr7-87439795-C-T. GRCh37 (hg19) VCF-style: chr7-87069111-C-T.
Other names: c.1603G>A, p.Gly535Ser (NM_018849.3, NM_018850.3); c.1603G>A (NM_000443.3); short protein forms G535S.
Identifiers: ClinVar variation 596065 (VCV000596065.9), dbSNP rs762036555, ClinGen allele CA4327253.

ClinVar aggregate classification (germline): Uncertain significance. Review status: criteria provided, multiple submitters, no conflicts (2 of 4 stars). 4 submissions from 4 submitters: Uncertain significance (4). Last evaluated 2025-10-29.

Conditions:
ABCB4-related disorder. Also called: ABCB4-related disorders; ABCB4-related condition.
Inborn genetic diseases. Identifiers: MedGen C0950123, MeSH D030342.

Allele frequency attached by ClinVar (database versions not stated): TOPMed 0.00009; gnomAD exomes 0.00001; ExAC 0.00002; gnomAD 0.00006.
gnomAD v4.1: 23 of 1,614,072 alleles (0.0014%); highest among the groups gnomAD compares: African/African-American, 0.027%; no homozygotes.

Submissions (4):

PreventionGenetics, part of Exact Sciences
Classification: Uncertain significance for ABCB4-related condition. Last evaluated: 2025-10-29. Review status: criteria provided, single submitter. Criteria: ACMG Guidelines, 2015. Collection method: clinical testing. Allele origin: germline.
Comment: The ABCB4 c.1603G>A variant is predicted to result in the amino acid substitution p.Gly535Ser. To our knowledge, this variant has not been reported in the literature. An alternate substitution affecting the same amino acid (p.Gly535Asp) has been reported in a patient with cholelithiasis, intrahepatic cholestasis of pregnancy, and biliary cirrhosis. It was also identified in her daughter who developed intrahepatic cholestasis of pregnancy (Lucena et al. 2003. PubMed ID: 12671900). The p.Gly535 amino acid is located within the highly conserved LSGGQ signature sequence, which is involved in ATP binding and hydrolysis (Delaunay et al. 2017. PubMed ID: 28012258) and in a functional study the p.Gly535Asp substitution was reported to compromise ABCB4 transporter activity (Andress et al. 2017. PubMed ID: 28220208). This variant is reported in 0.016% of alleles in individuals of African descent in gnomAD. Although we suspect that the c.1603G>A (p.Gly535Ser) variant may possibly be pathogenic, at this time its clinical significance is uncertain due to the absence of conclusive functional and genetic evidence.

Ambry Genetics
Classification: Uncertain significance for Inborn genetic diseases. Last evaluated: 2025-01-27. Review status: criteria provided, single submitter. Criteria: Ambry Variant Classification Scheme 2023. Collection method: clinical testing. Allele origin: germline.

Labcorp Genetics (formerly Invitae), Labcorp
Classification: Uncertain significance. Last evaluated: 2024-08-29. Review status: criteria provided, single submitter. Criteria: Invitae Variant Classification Sherloc (09022015). Collection method: clinical testing. Allele origin: germline.
Comment: This sequence change replaces glycine, which is neutral and non-polar, with serine, which is neutral and polar, at codon 535 of the ABCB4 protein (p.Gly535Ser). This variant is present in population databases (rs762036555, gnomAD 0.01%). This variant has not been reported in the literature in individuals affected with ABCB4-related conditions. ClinVar contains an entry for this variant (Variation ID: 596065). Invitae Evidence Modeling of protein sequence and biophysical properties (such as structural, functional, and spatial information, amino acid conservation, physicochemical variation, residue mobility, and thermodynamic stability) has been performed for this missense variant. However, the output from this modeling did not meet the statistical confidence thresholds required to predict the impact of this variant on ABCB4 protein function. In summary, the available evidence is currently insufficient to determine the role of this variant in disease. Therefore, it has been classified as a Variant of Uncertain Significance.

Eurofins Ntd Llc (ga)
Classification: Uncertain significance. Last evaluated: 2018-02-08. Review status: criteria provided, single submitter. Criteria: EGL Classification Definitions 2015. Collection method: clinical testing. Allele origin: germline. Observed: 1 variant allele, 1 heterozygote.